The following is an entry in ClinVar:

ClinVar aggregate classification (germline): Uncertain significance (1 of 4 stars; one submission).

Conditions:
Noonan syndrome 9 (NS9). Identifiers: Orphanet 648, MedGen C4225282, MONDO:0014691, OMIM 616559.

gnomAD v4.1: 1 of 1,614,018 alleles (0.000062%); highest among the groups gnomAD compares: African/African-American, 0.0013%; no homozygotes.

Submission:

Labcorp Genetics (formerly Invitae), Labcorp
Classification: Uncertain significance for Noonan syndrome 9. Last evaluated: 2024-10-22. Review status: criteria provided, single submitter. Criteria: Invitae Variant Classification Sherloc (09022015). Collection method: clinical testing. Allele origin: germline.
Comment: This sequence change replaces glutamic acid, which is acidic and polar, with lysine, which is basic and polar, at codon 456 of the SOS2 protein (p.Glu456Lys). This variant is not present in population databases (gnomAD no frequency). This variant has not been reported in the literature in individuals affected with SOS2-related conditions. Invitae Evidence Modeling of protein sequence and biophysical properties (such as structural, functional, and spatial information, amino acid conservation, physicochemical variation, residue mobility, and thermodynamic stability) has been performed for this missense variant. However, the output from this modeling did not meet the statistical confidence thresholds required to predict the impact of this variant on SOS2 protein function. In summary, the available evidence is currently insufficient to determine the role of this variant in disease. Therefore, it has been classified as a Variant of Uncertain Significance.

NM_006939.4(SOS2):c.1366G>A (p.Glu456Lys)

Gene: SOS2 (SOS Ras/Rho guanine nucleotide exchange factor 2; minus strand). Cytogenetic location: 14q21.3.
Variant type: single nucleotide variant.
Coding change: c.1366G>A on transcript NM_006939.4 (MANE Select); coding-DNA position 1366, G replaced by A.
Protein change: p.Glu456Lys; replaces glutamic acid 456 with lysine.
Molecular consequence: missense variant.
Genome position (GRCh38, 1-based): chr14:50,159,917, C>T on the plus strand (G>A on the coding strand, the complement: SOS2 is on the minus strand). VCF-style: chr14-50159917-C-T. GRCh37 (hg19) VCF-style: chr14-50626635-C-T.
Other names: c.1267G>A, p.Glu423Lys (NM_001411020.1); short protein forms E456K, E423K.
Identifiers: ClinVar variation 3702340 (VCV003702340.2).